The following is an entry in ClinVar:

ClinVar aggregate classification (germline): Likely benign (1 of 4 stars; one submission).

Allele frequency attached by ClinVar (database versions not stated): gnomAD exomes below 0.00001; TOPMed below 0.00001; gnomAD 0.00001.
gnomAD v4.1: 8 of 1,613,920 alleles (0.0005%); highest among the groups gnomAD compares: Middle Eastern, 0.016%; no homozygotes.

Submission:

CeGaT Center for Human Genetics Tuebingen
Classification: Likely benign. Last evaluated: 2023-09-01. Review status: criteria provided, single submitter. Criteria: CeGaT Center For Human Genetics Tuebingen Variant Classification Criteria Version 2. Collection method: clinical testing. Allele origin: germline. Affected: yes. Observed: 1 variant allele.
Comment: SUCLG1: BP4

NM_003849.4(SUCLG1):c.710T>C (p.Ile237Thr)

Gene: SUCLG1 (succinate-CoA ligase GDP/ADP-forming subunit alpha; minus strand). Cytogenetic location: 2p11.2.
Variant type: single nucleotide variant.
Coding change: c.710T>C on transcript NM_003849.4 (MANE Select); coding-DNA position 710, T replaced by C.
Protein change: p.Ile237Thr; replaces isoleucine 237 with threonine.
Molecular consequence: missense variant.
Genome position (GRCh38, 1-based): chr2:84,431,623, A>G on the plus strand (T>C on the coding strand, the complement: SUCLG1 is on the minus strand). VCF-style: chr2-84431623-A-G. GRCh37 (hg19) VCF-style: chr2-84658747-A-G.
Other names: short protein forms I237T.
Identifiers: ClinVar variation 2651087 (VCV002651087.24), dbSNP rs1367167069, ClinGen allele CA347515128.
Genomic context (GRCh38, chr2:84,431,623, plus strand): 5'-TCACCAATCAATATGATGCCTTCTGTGGCAGAATCGTTCAAAAAGATTTCGAGGCAGTCA[A>G]TAAAATCTGTTCCATTAAAAGGATCACCTCCAATGCCTGAAAAAGTTGAAAAATATCAAT-3'
Protein context (NP_003840.2, residues 227-247): GGDPFNGTDF[Ile237Thr]DCLEIFLNDS